The following is an entry in ClinVar:

ClinVar aggregate classification (germline): Conflicting classifications of pathogenicity. Review status: criteria provided, conflicting classifications (1 of 4 stars). 3 submissions from 3 submitters: Uncertain significance (2); Likely benign (1). Last evaluated 2025-04-09.

Conditions:
Inborn genetic diseases. Identifiers: MedGen C0950123, MeSH D030342.

Allele frequency attached by ClinVar (database versions not stated): gnomAD 0.00001 and 0.00002; TOPMed 0.00001; gnomAD exomes 0.00004 and 0.00002; ExAC 0.00004.
gnomAD v4.1: 33 of 1,614,016 alleles (0.002%); highest among the groups gnomAD compares: East Asian, 0.0089%; no homozygotes.

Submissions (3):

GeneDx
Classification: Uncertain significance. Last evaluated: 2025-04-09. Review status: criteria provided, single submitter. Criteria: GeneDx Variant Classification Process June 2021. Collection method: clinical testing. Allele origin: germline.
Comment: In silico analysis supports that this missense variant has a deleterious effect on protein structure/function; Has not been previously published as pathogenic or benign to our knowledge

Labcorp Genetics (formerly Invitae), Labcorp
Classification: Likely benign. Last evaluated: 2023-01-26. Review status: criteria provided, single submitter. Criteria: Invitae Variant Classification Sherloc (09022015). Collection method: clinical testing. Allele origin: germline.

Ambry Genetics
Classification: Uncertain significance for Inborn genetic diseases. Last evaluated: 2022-01-03. Review status: criteria provided, single submitter. Criteria: Ambry Variant Classification Scheme 2023. Collection method: clinical testing. Allele origin: germline.

NM_001457.4(FLNB):c.6590G>A (p.Arg2197Gln)

Gene: FLNB (filamin B; plus strand). Cytogenetic location: 3p14.3.
Variant type: single nucleotide variant.
Coding change: c.6590G>A on transcript NM_001457.4 (MANE Select); coding-DNA position 6590, G replaced by A.
Protein change: p.Arg2197Gln; replaces arginine 2197 with glutamine.
Molecular consequence: missense variant.
Genome position (GRCh38, 1-based): chr3:58,153,597, G>A. VCF-style: chr3-58153597-G-A. GRCh37 (hg19) VCF-style: chr3-58139324-G-A.
Other names: c.6683G>A, p.Arg2228Gln (NM_001164317.2); c.6557G>A, p.Arg2186Gln (NM_001164318.2); c.6518G>A, p.Arg2173Gln (NM_001164319.2); short protein forms R2197Q, R2173Q, R2186Q, R2228Q.
Identifiers: ClinVar variation 1494329 (VCV001494329.11), dbSNP rs749488943, ClinGen allele CA2469429.